The following is an entry in ClinVar:

NM_001365951.3(KIF1B):c.2115+7012A>G

Gene: KIF1B (kinesin family member 1B; plus strand). Cytogenetic location: 1p36.22.
Variant type: single nucleotide variant.
Coding change: c.2115+7012A>G on transcript NM_001365951.3 (MANE Select); 7012 bases into the intron after coding-DNA position 2115, A replaced by G.
Molecular consequence: intron variant. On other transcripts: missense variant (2).
Genome position (GRCh38, 1-based): chr1:10,304,258, A>G. VCF-style: chr1-10304258-A-G. GRCh37 (hg19) VCF-style: chr1-10364316-A-G.
Other names: c.3073A>G, p.Met1025Val (NM_001365953.1, NM_183416.4); c.1977+7012A>G (NM_015074.3); c.2115+7012A>G (NM_001365952.1); short protein forms M1025V.
Identifiers: ClinVar variation 3602674 (VCV003602674.4).

ClinVar aggregate classification (germline): Conflicting classifications of pathogenicity. Review status: criteria provided, conflicting classifications (1 of 4 stars). 3 submissions from 3 submitters: Uncertain significance (2); Likely benign (1). Last evaluated 2025-12-01.

Conditions:
Neuroblastoma, susceptibility to, 1. Identifiers: MedGen C2749485, MONDO:0009741, OMIM 256700.
Charcot-Marie-Tooth disease type 2A1. Also called: CHARCOT-MARIE-TOOTH DISEASE, AXONAL, TYPE 2A1; CHARCOT-MARIE-TOOTH DISEASE, AXONAL, AUTOSOMAL DOMINANT, TYPE 2A1; CHARCOT-MARIE-TOOTH DISEASE, NEURONAL, TYPE 2A1; CHARCOT-MARIE-TOOTH NEUROPATHY, TYPE 2A1; HEREDITARY MOTOR AND SENSORY NEUROPATHY IIA1. Identifiers: Orphanet 99946, MedGen C1861678, MONDO:0007308, OMIM 118210.
Pheochromocytoma. Also called: MAX-Related Hereditary Paraganglioma-Pheochromocytoma Syndrome. Identifiers: Orphanet 29072, MedGen C0031511, MONDO:0008233, OMIM 171300, HP:0002666.

gnomAD v4.1: 41 of 1,614,100 alleles (0.0025%); highest among the groups gnomAD compares: Middle Eastern, 0.099%; no homozygotes.

Submissions (3):

Dasa
Classification: Likely benign. Last evaluated: 2025-12-01. Review status: criteria provided, single submitter. Criteria: DASA Assertion Criteria. Collection method: clinical testing. Allele origin: germline.
Comment: NM_001365953.1(KIF1B):c.3073A>G (p.Met1025Val) is a missense variant that results in the substitution of methionine with valine. Computational prediction algorithms are consistent with a benign effect. Therefore, based on the currently available evidence, this variant is classified as likely benign.

St. Jude Molecular Pathology, St. Jude Children's Research Hospital
Classification: Uncertain significance for Pheochromocytoma. Last evaluated: 2025-02-05. Review status: criteria provided, single submitter. Criteria: St. Jude Assertion Criteria 2020. Collection method: clinical testing. Allele origin: germline.
Comment: The KIF1B c.3073 A>G p.(Met1025Val) missense change has a maximum subpopulation frequency of 0.014% in gnomAD v2.1.1. The in silico tool REVEL predicts a benign effect of this variant on protein function, and to our knowledge functional studies have not been performed. To our knowledge, this variant has not been reported in individuals with pheochromocytoma or neuroblastoma. In summary, the evidence currently available is insufficient to determine the clinical significance of this variant. It has therefore been classified as of uncertain significance.

Department of Pathology and Laboratory Medicine, Sinai Health System
Classification: Uncertain significance for Charcot-Marie-Tooth disease type 2A1; Neuroblastoma, susceptibility to, 1. Last evaluated: 2021-07-30. Review status: criteria provided, single submitter. Criteria: ACMG Guidelines, 2015. Collection method: research. Allele origin: germline.